The following is an entry in ClinVar:

NM_000059.4(BRCA2):c.2138A>C (p.Gln713Pro)

Gene: BRCA2 (BRCA2 DNA repair associated; plus strand). Cytogenetic location: 13q13.1.
Variant type: single nucleotide variant.
Coding change: c.2138A>C on transcript NM_000059.4 (MANE Select); coding-DNA position 2138, A replaced by C.
Protein change: p.Gln713Pro; replaces glutamine 713 with proline.
Molecular consequence: missense variant.
Genome position (GRCh38, 1-based): chr13:32,336,493, A>C. VCF-style: chr13-32336493-A-C. GRCh37 (hg19) VCF-style: chr13-32910630-A-C.
Other names: short protein forms Q713P.
Identifiers: ClinVar variation 156490 (VCV000156490.3), dbSNP rs55816687, ClinGen allele CA014424.
Genomic context (GRCh38, chr13:32,336,493, plus strand): 5'-GTAATAAGGAAAAACTACAGTTATTTATTACCCCAGAAGCTGATTCTCTGTCATGCCTGC[A>C]GGAAGGACAGTGTGAAAATGATCCAAAAAGCAAAAAAGTTTCAGATATAAAAGAAGAGGT-3'
Protein context (NP_000050.3, residues 703-723): TPEADSLSCL[Gln713Pro]EGQCENDPKS

ClinVar aggregate classification (germline): Likely benign. Review status: criteria provided, single submitter (1 of 4 stars). 2 submissions from 2 submitters: Likely benign (1). 1 of the submissions does not count toward it. Last evaluated 2023-03-23.

Conditions:
Hereditary cancer-predisposing syndrome. Also called: Tumor predisposition; Neoplastic Syndromes, Hereditary; Hereditary neoplastic syndrome; Hereditary Cancer Syndrome. Identifiers: Orphanet 140162, MedGen C0027672, MeSH D009386, MONDO:0015356.
Breast-ovarian cancer, familial, susceptibility to, 2 (BROVCA2). Also called: BRCA2 Hereditary Breast and Ovarian Cancer. Identifiers: Orphanet 145, MedGen C2675520, MONDO:0012933, OMIM 612555. Disease mechanism: loss of function.

Submissions (2):

University of Washington Department of Laboratory Medicine, University of Washington
Classification: Likely benign for Hereditary cancer-predisposing syndrome. Last evaluated: 2023-03-23. Review status: criteria provided, single submitter. Criteria: Dines et al. (Genet Med. 2020). Collection method: curation. Allele origin: germline.
Comment: Missense variant in a coldspot region where missense variants are very unlikely to be pathogenic (PMID:31911673).

BRCA2 exon 11 coldspot. Reclassification based on statistical prior probability.

Pathway Genomics
Classification: Uncertain significance for Breast-ovarian cancer, familial 2. Last evaluated: 2014-07-24. Review status: no assertion criteria provided. Collection method: clinical testing. Allele origin: germline. Not counted in ClinVar's aggregate classification.